The following is an entry in ClinVar:

NM_032119.4(ADGRV1):c.8691A>C (p.Glu2897Asp)

Gene: ADGRV1 (adhesion G protein-coupled receptor V1; plus strand). Cytogenetic location: 5q14.3.
Variant type: single nucleotide variant.
Coding change: c.8691A>C on transcript NM_032119.4 (MANE Select); coding-DNA position 8691, A replaced by C.
Protein change: p.Glu2897Asp; replaces glutamic acid 2897 with aspartic acid.
Molecular consequence: missense variant. On other transcripts: non-coding transcript variant (1).
Genome position (GRCh38, 1-based): chr5:90,706,355, A>C. VCF-style: chr5-90706355-A-C. GRCh37 (hg19) VCF-style: chr5-90002172-A-C.
Other names: p.E2897D:GAA>GAC; short protein forms E2897D.
Identifiers: ClinVar variation 46396 (VCV000046396.62), dbSNP rs201586455, ClinGen allele CA138255.

ClinVar aggregate classification (germline): Benign/Likely benign. Review status: criteria provided, multiple submitters, no conflicts (2 of 4 stars). 13 submissions from 13 submitters: Benign (6); Likely benign (3). 4 of the submissions do not count toward it. Last evaluated 2026-07-01.

Conditions:
ADGRV1-related disorder. Also called: ADGRV1-related disorders; ADGRV1-related condition.
Usher syndrome type 2C. Also called: Usher syndrome, type 2B; USHER SYNDROME, TYPE IIC. Identifiers: Orphanet 231178, Orphanet 886, MedGen C2931213, MONDO:0011558, OMIM 605472.

Allele frequency attached by ClinVar (database versions not stated): gnomAD 0.00379 and 0.00391; ESP Exome Variant Server 0.00545; 1000 Genomes Project 30x 0.00078; TOPMed 0.00386; 1000 Genomes Project 0.00100.
gnomAD v4.1: 8,723 of 1,612,490 alleles (0.54%); highest among the groups gnomAD compares: Non-Finnish European, 0.61%; 42 homozygotes.

Submissions (13):

CeGaT Center for Human Genetics Tuebingen
Classification: Likely benign. Last evaluated: 2026-07-01. Review status: criteria provided, single submitter. Criteria: CeGaT Center For Human Genetics Tuebingen Variant Classification Criteria Version 2. Collection method: clinical testing. Allele origin: germline. Affected: yes. Observed: 21 variant alleles.
Comment: ADGRV1: BP4, BS2

Labcorp Genetics (formerly Invitae), Labcorp
Classification: Benign. Last evaluated: 2026-02-02. Review status: criteria provided, single submitter. Criteria: Invitae Variant Classification Sherloc (09022015). Collection method: clinical testing. Allele origin: germline.

Illumina Laboratory Services, Illumina
Classification: Benign for Usher syndrome type 2C. Last evaluated: 2025-04-08. Review status: criteria provided, single submitter. Criteria: ICSLVariantClassificationCriteria RUGD 01 April 2020. Collection method: clinical testing. Allele origin: unknown.

Blueprint Genetics
Classification: Likely benign. Last evaluated: 2024-11-22. Review status: criteria provided, single submitter. Criteria: ACMG Guidelines, 2015. Collection method: clinical testing. Allele origin: germline.

ARUP Laboratories, Molecular Genetics and Genomics, ARUP Laboratories
Classification: Benign. Last evaluated: 2020-03-06. Review status: criteria provided, single submitter. Criteria: ARUP Molecular Germline Variant Investigation Process. Collection method: clinical testing. Allele origin: germline.

Athena Diagnostics
Classification: Benign. Last evaluated: 2018-06-18. Review status: criteria provided, single submitter. Criteria: Athena Diagnostics Criteria. Collection method: clinical testing. Allele origin: germline.

Eurofins Ntd Llc (ga)
Classification: Likely benign. Last evaluated: 2015-02-06. Review status: criteria provided, single submitter. Criteria: EGL Classification Definitions 2015. Collection method: clinical testing. Allele origin: germline. Observed: 3 variant alleles, 3 heterozygotes.

GeneDx
Classification: Benign. Last evaluated: 2014-05-02. Review status: criteria provided, single submitter. Criteria: GeneDx Variant Classification (06012015). Collection method: clinical testing. Allele origin: germline. Affected: yes.
Comment: This variant is considered likely benign or benign based on one or more of the following criteria: it is a conservative change, it occurs at a poorly conserved position in the protein, it is predicted to be benign by multiple in silico algorithms, and/or has population frequency not consistent with disease.

Laboratory for Molecular Medicine, Mass General Brigham Personalized Medicine
Classification: Benign. Last evaluated: 2012-04-30. Review status: criteria provided, single submitter. Criteria: LMM Criteria. Collection method: clinical testing. Allele origin: germline. Observed: 12 variant alleles.
Comment: Glu2897Asp in Exon 38 of GPR98: This variant is not expected to have clinical si gnificance because it has been identified in 0.7% (45/6620) of European American chromosomes from a broad population by the NHLBI Exome Sequencing Project.

PreventionGenetics, part of Exact Sciences
Classification: Benign for ADGRV1-related condition. Last evaluated: 2019-05-08. Review status: no assertion criteria provided. Collection method: clinical testing. Allele origin: germline. Not counted in ClinVar's aggregate classification.
Comment: This variant is classified as benign based on ACMG/AMP sequence variant interpretation guidelines (Richards et al. 2015 PMID: 25741868, with internal and published modifications).

Clinical Genetics DNA and cytogenetics Diagnostics Lab, Erasmus MC, Erasmus Medical Center
Classification: Likely benign. Review status: no assertion criteria provided. Collection method: clinical testing. Allele origin: germline. Affected: yes. Study: VKGL Data-share Consensus. Not counted in ClinVar's aggregate classification.

Clinical Genetics, Academic Medical Center
Classification: Benign. Review status: no assertion criteria provided. Collection method: clinical testing. Allele origin: germline. Affected: yes. Study: VKGL Data-share Consensus. Not counted in ClinVar's aggregate classification.

Genome Diagnostics Laboratory, University Medical Center Utrecht
Classification: Benign. Review status: no assertion criteria provided. Collection method: clinical testing. Allele origin: germline. Affected: yes. Study: VKGL Data-share Consensus. Not counted in ClinVar's aggregate classification.

Literature cited by the submitters: PubMed 29261713 (cited by Athena Diagnostics).